The following is an entry in ClinVar:

ClinVar aggregate classification (germline): Benign/Likely benign. Review status: criteria provided, multiple submitters, no conflicts (2 of 4 stars). 6 submissions from 6 submitters: Benign (1); Likely benign (3). 2 of the submissions do not count toward it. Last evaluated 2026-01-13.

Conditions:
Myofibrillar myopathy 5. Also called: Filaminopathy (type); FILAMINOPATHY, AUTOSOMAL DOMINANT. Identifiers: Orphanet 171445, MedGen C1836050, MONDO:0012289, OMIM 609524.
Hypertrophic cardiomyopathy 26. Also called: Cardiomyopathy, familial hypertrophic, 26. Identifiers: Orphanet 75249, MedGen C4310749, MONDO:0014883, OMIM 617047.
Distal myopathy with posterior leg and anterior hand involvement. Also called: WILLIAMS DISTAL MYOPATHY. Identifiers: Orphanet 63273, MedGen C3279722, MONDO:0013550, OMIM 614065.
FLNC-related disorder. Also called: FLNC-related condition; FLNC-related disorders.
Cardiovascular phenotype. Identifiers: MedGen CN230736.

Allele frequency attached by ClinVar (database versions not stated): gnomAD exomes 0.00001 and 0.00007; ExAC 0.00007; gnomAD 0.00015 and 0.00016; TOPMed 0.00021; ESP Exome Variant Server 0.00023; 1000 Genomes Project 0.00040; 1000 Genomes Project 30x 0.00047.
gnomAD v4.1: 43 of 1,613,092 alleles (0.0027%); highest among the groups gnomAD compares: African/African-American, 0.053%; no homozygotes.

Submissions (6):

Labcorp Genetics (formerly Invitae), Labcorp
Classification: Likely benign for Distal myopathy with posterior leg and anterior hand involvement; Myofibrillar myopathy 5; Hypertrophic cardiomyopathy 26. Last evaluated: 2026-01-13. Review status: criteria provided, single submitter. Criteria: Invitae Variant Classification Sherloc (09022015). Collection method: clinical testing. Allele origin: germline.

Women's Health and Genetics/Laboratory Corporation of America, LabCorp
Classification: Benign. Last evaluated: 2025-09-29. Review status: criteria provided, single submitter. Criteria: LabCorp Variant Classification Summary - May 2015. Collection method: clinical testing. Allele origin: germline.

PreventionGenetics, part of Exact Sciences
Classification: Likely benign for FLNC-related condition. Last evaluated: 2025-04-22. Review status: criteria provided, single submitter. Criteria: ACMG Guidelines, 2015. Collection method: clinical testing. Allele origin: germline.
Comment: This variant is classified as likely benign based on ACMG/AMP sequence variant interpretation guidelines (Richards et al. 2015 PMID: 25741868, with internal and published modifications).

Ambry Genetics
Classification: Likely benign for Cardiovascular phenotype. Last evaluated: 2019-10-08. Review status: criteria provided, single submitter. Criteria: Ambry Variant Classification Scheme 2023. Collection method: clinical testing. Allele origin: germline.

Clinical Genetics, Academic Medical Center
Classification: Benign. Review status: no assertion criteria provided. Collection method: clinical testing. Allele origin: germline. Affected: yes. Study: VKGL Data-share Consensus. Not counted in ClinVar's aggregate classification.

Genome Diagnostics Laboratory, University Medical Center Utrecht
Classification: Likely benign. Review status: no assertion criteria provided. Collection method: clinical testing. Allele origin: germline. Affected: yes. Study: VKGL Data-share Consensus. Not counted in ClinVar's aggregate classification.

NM_001458.5(FLNC):c.96G>A (p.Ala32=)

Gene: FLNC (filamin C; plus strand). Cytogenetic location: 7q32.1.
Variant type: single nucleotide variant.
Coding change: c.96G>A on transcript NM_001458.5 (MANE Select); coding-DNA position 96, G replaced by A.
Protein change: p.Ala32=; no amino-acid change (alanine 32 retained).
Molecular consequence: synonymous variant.
Genome position (GRCh38, 1-based): chr7:128,830,733, G>A. VCF-style: chr7-128830733-G-A. GRCh37 (hg19) VCF-style: chr7-128470787-G-A.
Other names: c.96G>A, p.Ala32= (NM_001127487.2).
Identifiers: ClinVar variation 472191 (VCV000472191.18), dbSNP rs368239688, ClinGen allele CA4473960.